The following is an entry in ClinVar:

NM_001267550.2(TTN):c.73075_73076dup (p.Met24359fs)

Genes: TTN-AS1 (TTN antisense RNA 1; plus strand), TTN (titin; minus strand). Cytogenetic location: 2q31.2.
Variant type: Microsatellite.
Coding change: c.73075_73076dup on transcript NM_001267550.2 (MANE Select); coding-DNA positions 73075 to 73076, 2 bases duplicated (AT; older notation c.73075_73076dupAT).
Protein change: p.Met24359fs; shifts the reading frame from methionine 24359.
Molecular consequence: frameshift variant.
Genome position (GRCh38, 1-based): chr2:178,573,056-178,573,057, AT duplicated on the plus strand (AT on the coding strand, the reverse complement: TTN is on the minus strand); duplicating any 2 consecutive bases within chr2:178,573,056-178,573,060 gives the same sequence; the c. name uses the placement nearest the transcript's 3' end. VCF-style (leftmost placement, unchanged base first): chr2-178573055-C-CAT. GRCh37 (hg19) VCF-style: chr2-179437782-C-CAT.
Other names: c.68152_68153dup, p.Met22718fs (NM_001256850.1); c.45880_45881dup, p.Met15294fs (NM_003319.4); c.65371_65372dup, p.Met21791fs (NM_133378.4); c.46255_46256dup, p.Met15419fs (NM_133432.3); c.46456_46457dup, p.Met15486fs (NM_133437.4); c.73075_73076dupAT (NM_001267550.2); short protein forms M24359fs, M15419fs, M21791fs, M15294fs, M15486fs, M22718fs.
Identifiers: ClinVar variation 661664 (VCV000661664.9), dbSNP rs1575769723, ClinGen allele CA915942149.

ClinVar aggregate classification (germline): Likely pathogenic (1 of 4 stars; one submission).

Conditions:
Autosomal recessive limb-girdle muscular dystrophy type 2J (LGMDR10). Also called: Limb-girdle muscular dystrophy, type 2J; MUSCULAR DYSTROPHY, LIMB-GIRDLE, AUTOSOMAL RECESSIVE 10. Identifiers: Orphanet 140922, MedGen C1837342, MONDO:0012127, OMIM 608807.
Dilated cardiomyopathy 1G (CMD1G). Identifiers: Orphanet 154, MedGen C1858763, MONDO:0011400, OMIM 604145.

Submission:

Labcorp Genetics (formerly Invitae), Labcorp
Classification: Likely pathogenic for Dilated cardiomyopathy 1G; Autosomal recessive limb-girdle muscular dystrophy type 2J. Last evaluated: 2023-09-04. Review status: criteria provided, single submitter. Criteria: Invitae Variant Classification Sherloc (09022015). Collection method: clinical testing. Allele origin: germline.
Comment: In summary, the currently available evidence indicates that the variant is pathogenic, but additional data are needed to prove that conclusively. Therefore, this variant has been classified as Likely Pathogenic. This variant is located in the A band of TTN (PMID: 25589632). Truncating variants in this region are significantly overrepresented in patients affected with dilated cardiomyopathy (PMID: 25589632). Truncating variants in this region have also been reported in individuals affected with autosomal recessive centronuclear myopathy (PMID: 23975875). ClinVar contains an entry for this variant (Variation ID: 661664). This variant has not been reported in the literature in individuals affected with TTN-related conditions. This variant is not present in population databases (gnomAD no frequency). This sequence change creates a premature translational stop signal (p.Met24359Ilefs*45) in the TTN gene. While this is not anticipated to result in nonsense mediated decay, it is expected to create a truncated TTN protein.

Literature cited by the submitters: PubMed 25589632; PubMed 23975875.